The following is an entry in ClinVar:

ClinVar aggregate classification (germline): Benign/Likely benign. Review status: criteria provided, multiple submitters, no conflicts (2 of 4 stars). 15 submissions from 14 submitters: Benign (4); Likely benign (10). 1 of the submissions does not count toward it. Last evaluated 2026-05-01.

Conditions:
Long QT syndrome (LQTS). Identifiers: MedGen C0023976, MeSH D008133, MONDO:0002442. Disease mechanism: loss of function. Inheritance: Various modes of inheritance.
Hypertrophic cardiomyopathy. Also called: HYPERTROPHIC MYOCARDIOPATHY. Identifiers: Orphanet 217569, MedGen C0007194, MeSH D002312, MONDO:0005045, HP:0001639.
MYBPC3-related disorder. Also called: MYBPC3-related disorders; MYBPC3-related condition; MYBPC3-related disease.
Left ventricular noncompaction 10 (LVNC10). Identifiers: Orphanet 154, Orphanet 54260, MedGen C3715165, MONDO:0014163, OMIM 615396.
Cardiovascular phenotype. Identifiers: MedGen CN230736.
Cardiomyopathy (CMYO). Also called: Cardiomyopathies. Identifiers: Orphanet 167848, MedGen C0878544, MONDO:0004994, HP:0001638. Inheritance: Various modes of inheritance.
Hypertrophic cardiomyopathy 4. Also called: Familial hypertrophic cardiomyopathy 4. Identifiers: MedGen C1861862, MONDO:0007268, OMIM 115197.

Allele frequency attached by ClinVar (database versions not stated): gnomAD exomes 0.00009 and 0.00054; gnomAD 0.00012 and 0.00015; 1000 Genomes Project 30x 0.00016; 1000 Genomes Project 0.00020; TOPMed 0.00034; ExAC 0.00059.
gnomAD v4.1: 141 of 1,521,574 alleles (0.0093%); highest among the groups gnomAD compares: Admixed American, 0.24%; 3 homozygotes.

Submissions (15):

CeGaT Center for Human Genetics Tuebingen
Classification: Benign. Last evaluated: 2026-05-01. Review status: criteria provided, single submitter. Criteria: CeGaT Center For Human Genetics Tuebingen Variant Classification Criteria Version 2. Collection method: clinical testing. Allele origin: germline. Affected: yes. Observed: 2 variant alleles.
Comment: MYBPC3: BS1, BS2

Labcorp Genetics (formerly Invitae), Labcorp
Classification: Benign for Hypertrophic cardiomyopathy. Last evaluated: 2026-01-12. Review status: criteria provided, single submitter. Criteria: Invitae Variant Classification Sherloc (09022015). Collection method: clinical testing. Allele origin: germline.

Mayo Clinic Laboratories, Mayo Clinic
Classification: Likely benign. Last evaluated: 2025-08-29. Review status: criteria provided, single submitter. Criteria: ACMG Guidelines, 2015. Collection method: clinical testing. Allele origin: germline. Observed: 1 variant allele.
Comment: BS1, BP4

GeneDx
Classification: Likely benign. Last evaluated: 2024-11-12. Review status: criteria provided, single submitter. Criteria: GeneDx Variant Classification Process June 2021. Collection method: clinical testing. Allele origin: germline. Affected: yes.
Comment: See Variant Classification Assertion Criteria.

All of Us Research Program, National Institutes of Health
Classification: Likely benign for Hypertrophic cardiomyopathy. Last evaluated: 2024-09-23. Review status: criteria provided, single submitter. Criteria: ACMG Guidelines, 2015. Collection method: clinical testing. Allele origin: germline. Inheritance: Autosomal dominant inheritance. Observed: 91 variant alleles, 91 heterozygotes.
Comment: This study involves interpretation of variants in research participants for the purpose of population health screening. Participant phenotype was not available at the time of variant classification. Additional details can be found in publication PMID: 35346344, PMCID: PMC8962531

ARUP Laboratories, Molecular Genetics and Genomics, ARUP Laboratories
Classification: Likely benign. Last evaluated: 2023-09-20. Review status: criteria provided, single submitter. Criteria: ARUP Molecular Germline Variant Investigation Process 2024. Collection method: clinical testing. Allele origin: germline.

Women's Health and Genetics/Laboratory Corporation of America, LabCorp
Classification: Benign. Last evaluated: 2022-01-17. Review status: criteria provided, single submitter. Criteria: LabCorp Variant Classification Summary - May 2015. Collection method: clinical testing. Allele origin: germline.
Comment: Variant summary: MYBPC3 c.2614G>A (p.Glu872Lys) results in a conservative amino acid change located in the Fibronectin type III domain (IPR003961) of the encoded protein sequence. Two of four in-silico tools predict a benign effect of the variant on protein function. The variant allele was found at a frequency of 0.00054 in 173718 control chromosomes, predominantly at a frequency of 0.0037 within the Latino subpopulation in the gnomAD database, including 4 homozygotes. The observed variant frequency within Latino control individuals in the gnomAD database is approximately 4 fold of the estimated maximal expected allele frequency for a pathogenic variant in MYBPC3 causing Cardiomyopathy phenotype (0.001), strongly suggesting that the variant is a benign polymorphism found primarily in populations of Latino origin. c.2614G>A has been reported in the literature in individuals affected with Cardiomyopathy, without strong evidence for causality (Bursetein_2021, Murphy_2016). Co-occurrences with other pathogenic variants have been reported (MYBPC3 c.3811C>T, p.R1271* - internal testing; LMOD2 c.1193G>A, p.W398* Bursetein_2021), providing supporting evidence for a benign role. To our knowledge, no experimental evidence demonstrating an impact on protein function has been reported. Ten clinical diagnostic laboratories have submitted clinical-significance assessments for this variant to ClinVar after 2014 and classified the variant as benign(n=2) and likely benign (n=8). Based on the evidence outlined above, the variant was classified as benign.

Ambry Genetics
Classification: Likely benign for Cardiovascular phenotype. Last evaluated: 2018-11-27. Review status: criteria provided, single submitter. Criteria: Ambry Variant Classification Scheme 2023. Collection method: clinical testing. Allele origin: germline.

Color Diagnostics, LLC DBA Color Health
Classification: Likely benign for Cardiomyopathy. Last evaluated: 2018-11-14. Review status: criteria provided, single submitter. Criteria: ACMG Guidelines, 2015. Collection method: clinical testing. Allele origin: germline.

Center for Advanced Laboratory Medicine, UC San Diego Health, University of California San Diego
Classification: Likely benign for Long QT Syndrome; Hypertrophic cardiomyopathy. Last evaluated: 2018-06-05. Review status: criteria provided, single submitter. Criteria: ACMG Guidelines, 2015. Collection method: clinical testing. Allele origin: germline. Affected: yes. Observed: 2 variant alleles.

Illumina Laboratory Services, Illumina
Classification: Benign for Left ventricular noncompaction 10. Last evaluated: 2018-01-12. Review status: criteria provided, single submitter. Criteria: ICSL Variant Classification Criteria 13 December 2019. Collection method: clinical testing. Allele origin: germline.
Comment: This variant was observed in the ICSL laboratory as part of a predisposition screen in an ostensibly healthy population. It had not been previously curated by ICSL or reported in the Human Gene Mutation Database (HGMD: prior to June 1st, 2018), and was therefore a candidate for classification through an automated scoring system. Utilizing variant allele frequency, disease prevalence and penetrance estimates, and inheritance mode, an automated score was calculated to assess if this variant is too frequent to cause the disease. Based on the score and internal cut-off values, a variant classified as benign is not then subjected to further curation. The score for this variant resulted in a classification of benign for this disease.

Illumina Laboratory Services, Illumina
Classification: Likely benign for Hypertrophic cardiomyopathy 4. Last evaluated: 2018-01-12. Review status: criteria provided, single submitter. Criteria: ICSL Variant Classification Criteria 13 December 2019. Collection method: clinical testing. Allele origin: germline.
Comment: This variant was observed in the ICSL laboratory as part of a predisposition screen in an ostensibly healthy population. It had not been previously curated by ICSL or reported in the Human Gene Mutation Database (HGMD: prior to June 1st, 2018), and was therefore a candidate for classification through an automated scoring system. Utilizing variant allele frequency, disease prevalence and penetrance estimates, and inheritance mode, an automated score was calculated to assess if this variant is too frequent to cause the disease. Based on the score and internal cut-off values, a variant classified as likely benign is not then subjected to further curation. The score for this variant resulted in a classification of likely benign for this disease.

Stanford Center for Inherited Cardiovascular Disease, Stanford University
Classification: Likely benign. Last evaluated: 2016-08-22. Review status: criteria provided, single submitter. Criteria: ACMG Guidelines, 2015. Collection method: provider interpretation. Allele origin: germline.

Laboratory for Molecular Medicine, Mass General Brigham Personalized Medicine
Classification: Likely benign. Last evaluated: 2016-07-18. Review status: criteria provided, single submitter. Criteria: LMM Criteria. Collection method: clinical testing. Allele origin: germline. Observed: 3 variant alleles.
Comment: p.Glu872Lys in exon 26 of MYBPC3: This variant is not expected to have clinical significance because it is not located within the splice consensus sequence. It has been identified in 0.7% (37/5574) of Latino chromosomes, including 2 homozy gotes, by the Exome Aggregation Consortium (ExAC ; dbSNP rs190765116).

PreventionGenetics, part of Exact Sciences
Classification: Likely benign for MYBPC3-related condition. Last evaluated: 2019-06-14. Review status: no assertion criteria provided. Collection method: clinical testing. Allele origin: germline. Not counted in ClinVar's aggregate classification.
Comment: This variant is classified as likely benign based on ACMG/AMP sequence variant interpretation guidelines (Richards et al. 2015 PMID: 25741868, with internal and published modifications).

Literature cited by the submitters: PubMed 22763267 (cited by Mayo Clinic Laboratories, Mayo Clinic); PubMed 26914223 (cited by Mayo Clinic Laboratories, Mayo Clinic and Women's Health and Genetics/Laboratory Corporation of America, LabCorp); PubMed 32746448 (cited by Mayo Clinic Laboratories, Mayo Clinic and Women's Health and Genetics/Laboratory Corporation of America, LabCorp); PubMed 8892833 (cited by Mayo Clinic Laboratories, Mayo Clinic).

NM_000256.3(MYBPC3):c.2614G>A (p.Glu872Lys)

Gene: MYBPC3 (myosin binding protein C3; minus strand). Cytogenetic location: 11p11.2.
Variant type: single nucleotide variant.
Coding change: c.2614G>A on transcript NM_000256.3 (MANE Select); coding-DNA position 2614, G replaced by A.
Protein change: p.Glu872Lys; replaces glutamic acid 872 with lysine.
Molecular consequence: missense variant.
Genome position (GRCh38, 1-based): chr11:47,336,000, C>T on the plus strand (G>A on the coding strand, the complement: MYBPC3 is on the minus strand). VCF-style: chr11-47336000-C-T. GRCh37 (hg19) VCF-style: chr11-47357551-C-T.
Other names: p.E872K:GAA>AAA; short protein forms E872K.
Identifiers: ClinVar variation 42647 (VCV000042647.41), dbSNP rs190765116, ClinGen allele CA012739.